The following is an entry in ClinVar:

ClinVar aggregate classification (germline): Pathogenic. Review status: reviewed by expert panel (3 of 4 stars). 9 submissions from 9 submitters: Pathogenic (1). 8 of the submissions do not count toward it. Last evaluated 2016-09-08.

Conditions:
Hereditary cancer-predisposing syndrome. Also called: Hereditary Cancer Syndrome; Hereditary neoplastic syndrome; Neoplastic Syndromes, Hereditary; Tumor predisposition. Identifiers: Orphanet 140162, MedGen C0027672, MeSH D009386, MONDO:0015356.
Hereditary breast ovarian cancer syndrome. Also called: BRCA1- and BRCA2-Associated Hereditary Breast and Ovarian Cancer; Hereditary breast and ovarian cancer syndrome; Hereditary breast and ovarian cancer syndrome (HBOC); Breast and ovarian cancer; Hereditary breast and/or ovarian cancer syndrome; Hereditary breast and ovarian cancer. Identifiers: Orphanet 145, MedGen C0677776, MeSH D061325, MONDO:0003582. Disease mechanism: loss of function.
Breast-ovarian cancer, familial, susceptibility to, 1 (BROVCA1). Also called: BRCA1 Hereditary Breast and Ovarian Cancer; OVARIAN CANCER, SUSCEPTIBILITY TO. Identifiers: Orphanet 145, MedGen C2676676, MONDO:0011450, OMIM 604370. Disease mechanism: loss of function.

Submissions (9):

Evidence-based Network for the Interpretation of Germline Mutant Alleles (ENIGMA)
Classification: Pathogenic for Breast-ovarian cancer, familial, susceptibility to, 1. Last evaluated: 2016-09-08. Review status: reviewed by expert panel. Criteria: ENIGMA BRCA1/2 Classification Criteria (2015). Collection method: curation. Allele origin: germline.
Comment: Variant allele predicted to encode a truncated non-functional protein.

Labcorp Genetics (formerly Invitae), Labcorp
Classification: Pathogenic for Hereditary breast ovarian cancer syndrome. Last evaluated: 2025-11-03. Review status: criteria provided, single submitter. Criteria: Invitae Variant Classification Sherloc (09022015). Collection method: clinical testing. Allele origin: germline. Not counted in ClinVar's aggregate classification.
Comment: This sequence change creates a premature translational stop signal (p.Val162Glufs*19) in the BRCA1 gene. It is expected to result in an absent or disrupted protein product. Loss-of-function variants in BRCA1 are known to be pathogenic (PMID: 20104584). This variant is not present in population databases (gnomAD no frequency). This premature translational stop signal has been observed in individual(s) with clinical features of hereditary breast and ovarian cancer (PMID: 20104584, 29435039, 29752822). This variant is also known as 604delTG. For these reasons, this variant has been classified as Pathogenic.

Baylor Genetics
Classification: Pathogenic for Breast-ovarian cancer, familial, susceptibility to, 1. Last evaluated: 2023-02-15. Review status: criteria provided, single submitter. Criteria: ACMG Guidelines, 2015. Collection method: clinical testing. Allele origin: unknown. Not counted in ClinVar's aggregate classification.

Ambry Genetics
Classification: Pathogenic for Hereditary cancer-predisposing syndrome. Last evaluated: 2023-02-13. Review status: criteria provided, single submitter. Criteria: Ambry Variant Classification Scheme 2023. Collection method: clinical testing. Allele origin: germline. Not counted in ClinVar's aggregate classification.
Comment: The c.485_486delTG pathogenic mutation, located in coding exon 6 of the BRCA1 gene, results from a deletion of two nucleotides between positions 485 and 486, causing a translational frameshift with a predicted alternate stop codon (p.V162Efs*19). This mutation has been reported in multiple individuals diagnosed with early onset and/or bilateral breast cancer (Borg A et al. Hum Mutat. 2010 Mar;31(3):E1200-40; El Saghir NS et al. Oncologist, 2015 Apr;20:357-64). In addition to the clinical data presented in the literature, this alteration is expected to result in loss of function by premature protein truncation or nonsense-mediated mRNA decay. As such, this alteration is interpreted as a disease-causing mutation.

Revvity Omics, Revvity
Classification: Pathogenic. Last evaluated: 2022-08-23. Review status: criteria provided, single submitter. Criteria: ACMG Guidelines, 2015. Collection method: clinical testing. Allele origin: germline. Not counted in ClinVar's aggregate classification.

Women's Health and Genetics/Laboratory Corporation of America, LabCorp
Classification: Pathogenic for Hereditary breast and ovarian cancer syndrome. Last evaluated: 2017-12-18. Review status: criteria provided, single submitter. Criteria: LabCorp Variant Classification Summary - May 2015. Collection method: clinical testing. Allele origin: germline. Not counted in ClinVar's aggregate classification.
Comment: Variant summary: The BRCA1 c.485_486delTG (p.Val162GlufsX19) variant results in a premature termination codon, predicted to cause a truncated or absent BRCA1 protein due to nonsense mediated decay, which are commonly known mechanisms for disease. Truncations downstream of this position have been classified as pathogenic by our laboratory (e.g. p.Gln563X, p.Lys654X, p.Glu908X, etc.). This variant is absent in 277220 control chromosomes (gnomAD). This variant has been reported in multiple individuals with HBOC in literature (Judkins_2005, Borg_2010, El Saghir_2015). In addition, several clinical diagnostic laboratories/reputable databases have classified this variant as pathogenic. Taken together, this variant is classified as Pathogenic.

Consortium of Investigators of Modifiers of BRCA1/2 (CIMBA), c/o University of Cambridge
Classification: Pathogenic for Breast-ovarian cancer, familial, susceptibility to, 1. Last evaluated: 2015-10-02. Review status: criteria provided, single submitter. Criteria: CIMBA Mutation Classification guidelines May 2016. Collection method: clinical testing. Allele origin: germline. Not counted in ClinVar's aggregate classification.

Sharing Clinical Reports Project (SCRP)
Classification: Pathogenic for Breast-ovarian cancer, familial 1. Last evaluated: 2012-04-12. Review status: no assertion criteria provided. Collection method: clinical testing. Allele origin: germline. Not counted in ClinVar's aggregate classification.

Breast Cancer Information Core (BIC) (BRCA1)
Classification: Pathogenic for Breast-ovarian cancer, familial 1. Last evaluated: 2002-06-20. Review status: no assertion criteria provided. Collection method: clinical testing. Allele origin: germline. Affected: yes. Observed: 1 variant allele. Not counted in ClinVar's aggregate classification.

Literature cited by the submitters: PubMed 20104584 (cited by Labcorp Genetics (formerly Invitae), Labcorp and Women's Health and Genetics/Laboratory Corporation of America, LabCorp); PubMed 29435039 (cited by Labcorp Genetics (formerly Invitae), Labcorp); PubMed 29752822 (cited by Labcorp Genetics (formerly Invitae), Labcorp); PubMed 25777348 (cited by Ambry Genetics and Women's Health and Genetics/Laboratory Corporation of America, LabCorp); PubMed 16267036 (cited by Women's Health and Genetics/Laboratory Corporation of America, LabCorp).

NM_007294.4(BRCA1):c.485_486del (p.Val162fs)

Gene: BRCA1 (BRCA1 DNA repair associated; minus strand). Cytogenetic location: 17q21.31.
Variant type: Microsatellite.
Coding change: c.485_486del on transcript NM_007294.4 (MANE Select); coding-DNA positions 485 to 486, 2 bases deleted (TG; older notation c.485_486delTG).
Protein change: p.Val162fs; shifts the reading frame from valine 162.
Molecular consequence: frameshift variant. On other transcripts: non-coding transcript variant (1).
Genome position (GRCh38, 1-based): chr17:43,099,836-43,099,837, CA deleted on the plus strand (TG on the coding strand, the reverse complement: BRCA1 is on the minus strand); deleting any 2 consecutive bases within chr17:43,099,836-43,099,839 gives the same sequence; the c. name uses the placement nearest the transcript's 3' end. VCF-style (leftmost placement, unchanged base first): chr17-43099835-TCA-T. GRCh37 (hg19) VCF-style: chr17-41251852-TCA-T.
Other names: 604delTG; c.485_486delTG (NM_007294.3); c.270_271TG[1], p.Val91Glufs (NM_001407571.1, NM_001407853.1, NM_001407894.1 and 18 more transcripts); c.483_484TG[1], p.Val162Glufs (NM_001407581.1, NM_001407582.1, NM_001407583.1 and 95 more transcripts); c.480_481TG[1], p.Val161Glufs (NM_001407587.1, NM_001407590.1, NM_001407591.1 and 65 more transcripts); c.474_475TG[1], p.Val159Glufs (NM_001407646.1, NM_001407647.1, NM_001408408.1); c.405_406TG[1], p.Val136Glufs (NM_001407653.1, NM_001407654.1, NM_001407655.1 and 12 more transcripts); c.402_403TG[1], p.Val135Glufs (NM_001407659.1, NM_001407660.1, NM_001407661.1 and 6 more transcripts); and 8 more; short protein forms V162fs, V115fs.
Identifiers: ClinVar variation 55304 (VCV000055304.23), dbSNP rs80357708, ClinGen allele CA003054.